The following is an entry in ClinVar:

ClinVar aggregate classification (germline): Uncertain significance. Review status: criteria provided, multiple submitters, no conflicts (2 of 4 stars). 2 submissions from 2 submitters: Uncertain significance (2). Last evaluated 2025-08-31.

Conditions:
Retinoblastoma (RB1). Also called: RETINOBLASTOMA, SOMATIC. Identifiers: Orphanet 790, MedGen C0035335, MeSH D012175, MONDO:0008380, OMIM 180200, HP:0009919. Disease mechanism: loss of function. Inheritance: Both sporadic and heritable forms are tested..
Hereditary cancer-predisposing syndrome. Also called: Hereditary Cancer Syndrome; Hereditary neoplastic syndrome; Tumor predisposition; Neoplastic Syndromes, Hereditary. Identifiers: Orphanet 140162, MedGen C0027672, MeSH D009386, MONDO:0015356.

Allele frequency attached by ClinVar (database versions not stated): gnomAD exomes 0.00001.
gnomAD v4.1: 4 of 1,566,398 alleles (0.00026%); highest among the groups gnomAD compares: Non-Finnish European, 0.00035%; no homozygotes.

Submissions (2):

Labcorp Genetics (formerly Invitae), Labcorp
Classification: Uncertain significance for Retinoblastoma. Last evaluated: 2025-08-31. Review status: criteria provided, single submitter. Criteria: Invitae Variant Classification Sherloc (09022015). Collection method: clinical testing. Allele origin: germline.
Comment: This sequence change falls in intron 9 of the RB1 gene. It does not directly change the encoded amino acid sequence of the RB1 protein. It affects a nucleotide within the consensus splice site. This variant is not present in population databases (gnomAD no frequency). This variant has not been reported in the literature in individuals affected with RB1-related conditions. ClinVar contains an entry for this variant (Variation ID: 843189). Variants that disrupt the consensus splice site are a relatively common cause of aberrant splicing (PMID: 17576681, 9536098). Algorithms developed to predict the effect of sequence changes on RNA splicing suggest that this variant is not likely to affect RNA splicing. In summary, the available evidence is currently insufficient to determine the role of this variant in disease. Therefore, it has been classified as a Variant of Uncertain Significance.

Ambry Genetics
Classification: Uncertain significance for Hereditary cancer-predisposing syndrome. Last evaluated: 2022-12-15. Review status: criteria provided, single submitter. Criteria: Ambry Variant Classification Scheme 2023. Collection method: clinical testing. Allele origin: germline.
Comment: The c.939+5T>G intronic variant results from a T to G substitution 5 nucleotides after coding exon 9 in the RB1 gene. This nucleotide position is well conserved in available vertebrate species. In silico splice site analysis predicts that this alteration will not have any significant effect on splicing. Since supporting evidence is limited at this time, the clinical significance of this alteration remains unclear.

Literature cited by the submitters: PubMed 17576681 (cited by Labcorp Genetics (formerly Invitae), Labcorp); PubMed 9536098 (cited by Labcorp Genetics (formerly Invitae), Labcorp).

NM_000321.3(RB1):c.939+5T>G

Gene: RB1 (RB transcriptional corepressor 1; plus strand). Cytogenetic location: 13q14.2.
Variant type: single nucleotide variant.
Coding change: c.939+5T>G on transcript NM_000321.3 (MANE Select); 5 bases into the intron after coding-DNA position 939, T replaced by G.
Molecular consequence: intron variant.
Genome position (GRCh38, 1-based): chr13:48,364,976, T>G. VCF-style: chr13-48364976-T-G. GRCh37 (hg19) VCF-style: chr13-48939112-T-G.
Identifiers: ClinVar variation 843189 (VCV000843189.11), dbSNP rs1952680873, ClinGen allele CA916081685.
Genomic context (GRCh38, chr13:48,364,976, plus strand): 5'-ATTTTATACCTTTTATGAATTCTCTTGGACTTGTAACATCTAATGGACTTCCAGAGGTAA[T>G]CTGAAAGGAAATTTAATAAAATATTAATGTTTTGAGACTGTGGAGGGAGGATAATTGTCT-3'